The following is an entry in ClinVar:

ClinVar aggregate classification (germline): Uncertain significance. Review status: criteria provided, multiple submitters, no conflicts (2 of 4 stars). 3 submissions from 3 submitters: Uncertain significance (3). Last evaluated 2024-11-24.

Conditions:
Hereditary cancer-predisposing syndrome. Also called: Tumor predisposition; Hereditary neoplastic syndrome; Neoplastic Syndromes, Hereditary; Hereditary Cancer Syndrome. Identifiers: Orphanet 140162, MedGen C0027672, MeSH D009386, MONDO:0015356.

Allele frequency attached by ClinVar (database versions not stated): gnomAD exomes below 0.00001.
gnomAD v4.1: 1 of 1,614,124 alleles (0.000062%); highest among the groups gnomAD compares: Non-Finnish European, 0.000085%; no homozygotes.

Submissions (3):

Labcorp Genetics (formerly Invitae), Labcorp
Classification: Uncertain significance. Last evaluated: 2024-11-24. Review status: criteria provided, single submitter. Criteria: Invitae Variant Classification Sherloc (09022015). Collection method: clinical testing. Allele origin: germline.
Comment: This sequence change replaces histidine, which is basic and polar, with arginine, which is basic and polar, at codon 67 of the POLE protein (p.His67Arg). This variant is not present in population databases (gnomAD no frequency). This variant has not been reported in the literature in individuals affected with POLE-related conditions. ClinVar contains an entry for this variant (Variation ID: 950082). Invitae Evidence Modeling of protein sequence and biophysical properties (such as structural, functional, and spatial information, amino acid conservation, physicochemical variation, residue mobility, and thermodynamic stability) indicates that this missense variant is not expected to disrupt POLE protein function with a negative predictive value of 80%. In summary, the available evidence is currently insufficient to determine the role of this variant in disease. Therefore, it has been classified as a Variant of Uncertain Significance.

GeneDx
Classification: Uncertain significance. Last evaluated: 2024-07-03. Review status: criteria provided, single submitter. Criteria: GeneDx Variant Classification Process June 2021. Collection method: clinical testing. Allele origin: germline. Affected: yes.
Comment: Not observed at significant frequency in large population cohorts (gnomAD); In silico analysis supports that this missense variant has a deleterious effect on protein structure/function; Has not been previously published as pathogenic or benign to our knowledge

Ambry Genetics
Classification: Uncertain significance for Hereditary cancer-predisposing syndrome. Last evaluated: 2023-07-26. Review status: criteria provided, single submitter. Criteria: Ambry Variant Classification Scheme 2023. Collection method: clinical testing. Allele origin: germline.
Comment: The p.H67R variant (also known as c.200A>G), located in coding exon 2 of the POLE gene, results from an A to G substitution at nucleotide position 200. The histidine at codon 67 is replaced by arginine, an amino acid with highly similar properties. This amino acid position is conserved. In addition, the in silico prediction for this alteration is inconclusive. Since supporting evidence is limited at this time, the clinical significance of this alteration remains unclear.

NM_006231.4(POLE):c.200A>G (p.His67Arg)

Gene: POLE (DNA polymerase epsilon, catalytic subunit; minus strand). Cytogenetic location: 12q24.33.
Variant type: single nucleotide variant.
Coding change: c.200A>G on transcript NM_006231.4 (MANE Select); coding-DNA position 200, A replaced by G.
Protein change: p.His67Arg; replaces histidine 67 with arginine.
Molecular consequence: missense variant.
Genome position (GRCh38, 1-based): chr12:132,681,142, T>C on the plus strand (A>G on the coding strand, the complement: POLE is on the minus strand). VCF-style: chr12-132681142-T-C. GRCh37 (hg19) VCF-style: chr12-133257728-T-C.
Other names: c.200A>G (NM_006231.2); short protein forms H67R.
Identifiers: ClinVar variation 950082 (VCV000950082.12), dbSNP rs2043157860, ClinGen allele CA387369606.
Genomic context (GRCh38, chr12:132,681,142, plus strand): 5'-TATGACCAGAAGGGTTGCAGCCATATTCCTGGGTGGGAGAAGGACCTAGTGCTTACAGGA[T>C]GCATGTTAATGAGCCAGCCTGTCTTCTCACCAGGCTCCTTCAGCCGCTCAAAACCAAACC-3'
Protein context (NP_006222.2, residues 57-77): GEKTGWLINM[His67Arg]PTEILDEDKR